The following is an entry in ClinVar:

ClinVar aggregate classification (germline): Pathogenic (1 of 4 stars; one submission).

Submission:

GeneDx
Classification: Pathogenic. Last evaluated: 2017-04-07. Review status: criteria provided, single submitter. Criteria: GeneDx Variant Classification (06012015). Collection method: clinical testing. Allele origin: germline. Affected: yes.
Comment: The c.753_756delAGAT variant in the NUNS2 gene has not been reported previously as a pathogenic variant nor as a benign variant, to our knowledge. The c.753_756delAGAT variant causes a frameshift starting with codon Isoleucine 251, changes this amino acid to a Methionine residue, and creates a premature Stop codon at position 26 of the new reading frame, denoted p.Ile251MetfsX26. This variant is predicted to cause loss of normal protein function either through protein truncation or nonsense-mediated mRNA decay. The c.753_756delAGAT variant is not observed at a significant frequency in large population cohorts (Lek et al., 2016; 1000 Genomes Consortium et al., 2015; Exome Variant Server). We interpret c.753_756delAGAT as a pathogenic variant.

NM_017755.6(NSUN2):c.753_756del (p.Ile251fs)

Gene: NSUN2 (NOP2/Sun RNA methyltransferase 2; minus strand). Cytogenetic location: 5p15.31.
Variant type: Microsatellite.
Coding change: c.753_756del on transcript NM_017755.6 (MANE Select); coding-DNA positions 753 to 756, 4 bases deleted (AGAT; older notation c.753_756delAGAT).
Protein change: p.Ile251fs; shifts the reading frame from isoleucine 251.
Molecular consequence: frameshift variant. On other transcripts: non-coding transcript variant (1).
Genome position (GRCh38, 1-based): chr5:6,620,165-6,620,168, ATCT deleted on the plus strand (AGAT on the coding strand, the reverse complement: NSUN2 is on the minus strand); deleting any 4 consecutive bases within chr5:6,620,165-6,620,172 gives the same sequence; the c. name uses the placement nearest the transcript's 3' end. VCF-style (leftmost placement, unchanged base first): chr5-6620164-CATCT-C. GRCh37 (hg19) VCF-style: chr5-6620277-CATCT-C.
Other names: c.648_651del, p.Ile216fs (NM_001193455.2); short protein forms I216fs, I251fs.
Identifiers: ClinVar variation 426687 (VCV000426687.2), dbSNP rs1085307745, ClinGen allele CA645294036.